The following is an entry in ClinVar:

NM_030662.4(MAP2K2):c.775G>C (p.Glu259Gln)

Gene: MAP2K2 (mitogen-activated protein kinase kinase 2; minus strand). Cytogenetic location: 19p13.3.
Variant type: single nucleotide variant.
Coding change: c.775G>C on transcript NM_030662.4 (MANE Select); coding-DNA position 775, G replaced by C.
Protein change: p.Glu259Gln; replaces glutamic acid 259 with glutamine.
Molecular consequence: missense variant.
Genome position (GRCh38, 1-based): chr19:4,099,345, C>G on the plus strand (G>C on the coding strand, the complement: MAP2K2 is on the minus strand). VCF-style: chr19-4099345-C-G. GRCh37 (hg19) VCF-style: chr19-4099343-C-G.
Other names: short protein forms E259Q.
Identifiers: ClinVar variation 1474606 (VCV001474606.6), dbSNP rs1038040308, ClinGen allele CA304449317.

ClinVar aggregate classification (germline): Uncertain significance (1 of 4 stars; one submission).

Conditions:
RASopathy. Also called: rasopathies; Noonan spectrum disorder. Identifiers: Orphanet 536391, MedGen C5555857, MONDO:0021060.

Allele frequency attached by ClinVar (database versions not stated): gnomAD exomes below 0.00001.
gnomAD v4.1: 3 of 1,611,616 alleles (0.00019%); highest among the groups gnomAD compares: Non-Finnish European, 0.00025%; no homozygotes.

Submission:

Labcorp Genetics (formerly Invitae), Labcorp
Classification: Uncertain significance for RASopathy. Last evaluated: 2023-06-13. Review status: criteria provided, single submitter. Criteria: Invitae Variant Classification Sherloc (09022015). Collection method: clinical testing. Allele origin: germline.
Comment: Advanced modeling of protein sequence and biophysical properties (such as structural, functional, and spatial information, amino acid conservation, physicochemical variation, residue mobility, and thermodynamic stability) has been performed at Invitae for this missense variant, however the output from this modeling did not meet the statistical confidence thresholds required to predict the impact of this variant on MAP2K2 protein function. In summary, the available evidence is currently insufficient to determine the role of this variant in disease. Therefore, it has been classified as a Variant of Uncertain Significance. ClinVar contains an entry for this variant (Variation ID: 1474606). This variant has not been reported in the literature in individuals affected with MAP2K2-related conditions. This variant is not present in population databases (gnomAD no frequency). This sequence change replaces glutamic acid, which is acidic and polar, with glutamine, which is neutral and polar, at codon 259 of the MAP2K2 protein (p.Glu259Gln).